The following is an entry in ClinVar:

ClinVar aggregate classification (germline): Conflicting classifications of pathogenicity. Review status: criteria provided, conflicting classifications (1 of 4 stars). 2 submissions from 2 submitters: Uncertain significance (1); Likely benign (1). Last evaluated 2024-02-28.

Conditions:
Autoimmune interstitial lung disease-arthritis syndrome. Also called: Autoinflammation and autoimmunity, systemic, with immune dysregulation. Identifiers: Orphanet 444092, MedGen C5975714, MONDO:0014629.

Allele frequency attached by ClinVar (database versions not stated): gnomAD exomes 0.00001; TOPMed 0.00001.
gnomAD v4.1: 17 of 1,614,034 alleles (0.0011%); highest among the groups gnomAD compares: Non-Finnish European, 0.0014%; no homozygotes.

Submissions (2):

Labcorp Genetics (formerly Invitae), Labcorp
Classification: Likely benign for Autoimmune interstitial lung disease-arthritis syndrome. Last evaluated: 2024-02-28. Review status: criteria provided, single submitter. Criteria: Invitae Variant Classification Sherloc (09022015). Collection method: clinical testing. Allele origin: germline.

Mayo Clinic Laboratories, Mayo Clinic
Classification: Uncertain significance. Last evaluated: 2023-12-08. Review status: criteria provided, single submitter. Criteria: ACMG Guidelines, 2015. Collection method: clinical testing. Allele origin: germline. Observed: 1 variant allele.
Comment: BP4, PP2

NM_004371.4(COPA):c.1997A>G (p.Lys666Arg)

Gene: COPA (coat protein complex I subunit alpha; minus strand). Cytogenetic location: 1q23.2.
Variant type: single nucleotide variant.
Coding change: c.1997A>G on transcript NM_004371.4 (MANE Select); coding-DNA position 1997, A replaced by G.
Protein change: p.Lys666Arg; replaces lysine 666 with arginine.
Molecular consequence: missense variant.
Genome position (GRCh38, 1-based): chr1:160,297,726, T>C on the plus strand (A>G on the coding strand, the complement: COPA is on the minus strand). VCF-style: chr1-160297726-T-C. GRCh37 (hg19) VCF-style: chr1-160267516-T-C.
Other names: p.Lys666Arg; c.2024A>G, p.Lys675Arg (NM_001098398.2); short protein forms K666R, K675R.
Identifiers: ClinVar variation 2419479 (VCV002419479.7), dbSNP rs1314595703, ClinGen allele CA343279862.